The following is an entry in ClinVar:

NM_003640.5(ELP1):c.2305del (p.Thr769fs)

Gene: ELP1 (elongator acetyltransferase complex subunit 1; minus strand). Cytogenetic location: 9q31.3.
Variant type: Deletion.
Coding change: c.2305del on transcript NM_003640.5 (MANE Select); coding-DNA position 2305, one base deleted (A; older notation c.2305delA).
Protein change: p.Thr769fs; shifts the reading frame from threonine 769.
Molecular consequence: frameshift variant.
Genome position (GRCh38, 1-based): chr9:108,898,560, T deleted on the plus strand (A on the coding strand, the reverse complement: ELP1 is on the minus strand); the first of 3 consecutive T bases (chr9:108,898,560-108,898,562); deleting any one gives the same sequence. VCF-style (leftmost placement, unchanged base first): chr9-108898559-GT-G. GRCh37 (hg19) VCF-style: chr9-111660839-GT-G.
Other names: c.1258del, p.Thr420fs (NM_001330749.2); c.1963del, p.Thr655fs (NM_001318360.2); short protein forms T420fs, T655fs, T769fs.
Identifiers: ClinVar variation 4815193 (VCV004815193.1).

ClinVar aggregate classification (germline): Likely pathogenic (1 of 4 stars; one submission).

Conditions:
Familial dysautonomia. Also called: HSAN III; FD. Identifiers: Orphanet 1764, MedGen C0013364, MONDO:0009131, OMIM 223900. Disease mechanism: loss of function.

Submission:

Natera, Inc.
Classification: Likely pathogenic for Familial dysautonomia. Last evaluated: 2025-09-18. Review status: criteria provided, single submitter. Criteria: Natera Variant Classification Schema (03/2026). Collection method: clinical testing. Allele origin: germline.
Comment: The c.2305del variant in ELP1 is a frameshift variant predicted to shift the reading frame beginning at codon 769 and leads to a stop codon 6 codons downstream. This variant is expected to result in nonsense mediated decay, truncation, or a dysfunctional protein product. This variant is rare in the general population with a frequency below the threshold expected for the associated phenotype(s). Given the available evidence, this variant is classified as Likely Pathogenic.